The following is an entry in ClinVar:

NM_000517.6(HBA2):c.124A>G (p.Thr42Ala)

Genes: HBA2 (hemoglobin subunit alpha 2; plus strand), LOC106804612 (hemoglobin subunit alpha 2 recombination region; plus strand). Cytogenetic location: 16p13.3.
Variant type: single nucleotide variant.
Coding change: c.124A>G on transcript NM_000517.6 (MANE Select); coding-DNA position 124, A replaced by G.
Protein change: p.Thr42Ala; replaces threonine 42 with alanine.
Molecular consequence: missense variant.
Genome position (GRCh38, 1-based): chr16:173,153, A>G. VCF-style: chr16-173153-A-G. GRCh37 (hg19) VCF-style: chr16-223152-A-G.
Other names: short protein forms T42A.
Identifiers: ClinVar variation 811135 (VCV000811135.8), dbSNP rs281860654, ClinGen allele CA393993315.

ClinVar aggregate classification (germline): Uncertain significance (1 of 4 stars; one submission).

Submission:

ARUP Laboratories, Molecular Genetics and Genomics, ARUP Laboratories
Classification: Uncertain significance. Last evaluated: 2018-09-09. Review status: criteria provided, single submitter. Criteria: ARUP Molecular Germline Variant Investigation Process. Collection method: clinical testing. Allele origin: germline.
Comment: The HBA2 c.124A>G; Thr41Ala variant, to our knowledge, is not reported in the medical literature or gene specific databases. This variant is absent from general population databases (1000 Genomes Project, Exome Variant Server, and Genome Aggregation Database), indicating it is not a common polymorphism. The threonine at codon 41 is highly conserved, and computational analyses (SIFT, PolyPhen-2) predict that this variant is deleterious, although these predictions are low confidence for globins. Due to limited information, the clinical significance of the Thr41Ala variant is uncertain at this time.